The following is an entry in ClinVar:

NM_001292063.2(OTOG):c.3178C>T (p.His1060Tyr)

Gene: OTOG (otogelin; plus strand). Cytogenetic location: 11p15.1.
Variant type: single nucleotide variant.
Coding change: c.3178C>T on transcript NM_001292063.2 (MANE Select); coding-DNA position 3178, C replaced by T.
Protein change: p.His1060Tyr; replaces histidine 1060 with tyrosine.
Molecular consequence: missense variant.
Genome position (GRCh38, 1-based): chr11:17,593,646, C>T. VCF-style: chr11-17593646-C-T. GRCh37 (hg19) VCF-style: chr11-17615193-C-T.
Other names: c.3214C>T (NM_001277269.1); c.3214C>T, p.His1072Tyr (NM_001277269.2); short protein forms H1060Y, H1072Y.
Identifiers: ClinVar variation 1656110 (VCV001656110.12), dbSNP rs187751015, ClinGen allele CA218460227.

ClinVar aggregate classification (germline): Conflicting classifications of pathogenicity. Review status: criteria provided, conflicting classifications (1 of 4 stars). 4 submissions from 4 submitters: Uncertain significance (1); Likely benign (3). Last evaluated 2026-06-04.

Conditions:
Autosomal recessive nonsyndromic hearing loss 18B. Also called: Deafness, autosomal recessive 18b. Identifiers: Orphanet 90636, MedGen C3554163, MONDO:0013985, OMIM 614945.
OTOG-related disorder. Also called: OTOG-related condition.

Allele frequency attached by ClinVar (database versions not stated): gnomAD 0.00011 and 0.00012; gnomAD exomes 0.00014 and 0.00022; TOPMed 0.00016; 1000 Genomes Project 0.00040; 1000 Genomes Project 30x 0.00078.
gnomAD v4.1: 224 of 1,549,144 alleles (0.014%); highest among the groups gnomAD compares: East Asian, 0.46%; no homozygotes.

Submissions (4):

PreventionGenetics, part of Exact Sciences
Classification: Likely benign for OTOG-related condition. Last evaluated: 2026-06-04. Review status: criteria provided, single submitter. Criteria: ACMG Guidelines, 2015. Collection method: clinical testing. Allele origin: germline.
Comment: This variant is classified as likely benign based on ACMG/AMP sequence variant interpretation guidelines (Richards et al. 2015 PMID: 25741868, with internal and published modifications).

Labcorp Genetics (formerly Invitae), Labcorp
Classification: Likely benign. Last evaluated: 2025-08-14. Review status: criteria provided, single submitter. Criteria: Invitae Variant Classification Sherloc (09022015). Collection method: clinical testing. Allele origin: germline.

Blueprint Genetics
Classification: Likely benign. Last evaluated: 2024-02-29. Review status: criteria provided, single submitter. Criteria: ACMG Guidelines, 2015. Collection method: clinical testing. Allele origin: germline.

Department of Pathology and Laboratory Medicine, Sinai Health System
Classification: Uncertain significance for Autosomal recessive nonsyndromic hearing loss 18B. Last evaluated: 2021-12-03. Review status: criteria provided, single submitter. Criteria: ACMG Guidelines, 2015. Collection method: research. Allele origin: germline.